The following is an entry in ClinVar:

NM_152443.3(RDH12):c.377C>A (p.Ala126Glu)

Genes: GPHN (gephyrin; plus strand), RDH12 (retinol dehydrogenase 12; plus strand). Cytogenetic location: 14q24.1.
Variant type: single nucleotide variant.
Coding change: c.377C>A on transcript NM_152443.3 (MANE Select); coding-DNA position 377, C replaced by A.
Protein change: p.Ala126Glu; replaces alanine 126 with glutamic acid.
Molecular consequence: missense variant.
Genome position (GRCh38, 1-based): chr14:67,726,084, C>A. VCF-style: chr14-67726084-C-A. GRCh37 (hg19) VCF-style: chr14-68192801-C-A.
Other names: short protein forms A126E.
Identifiers: ClinVar variation 931585 (VCV000931585.8), dbSNP rs202126574, ClinGen allele CA390150075.
Genomic context (GRCh38, chr14:67,726,084, plus strand): 5'-TAGGATCTCTTTGGTTGTGCCCTATAGAGGAAAAGCAGCTCCATATTCTGATCAACAATG[C>A]GGGAGTAATGATGTGTCCATATTCCAAGACAGCTGATGGCTTTGAAACCCACCTGGGAGT-3'
Protein context (NP_689656.2, residues 116-136): EKQLHILINN[Ala126Glu]GVMMCPYSKT

ClinVar aggregate classification (germline): Pathogenic/Likely pathogenic. Review status: criteria provided, multiple submitters, no conflicts (2 of 4 stars). 3 submissions from 3 submitters: Pathogenic (1); Likely pathogenic (2). Last evaluated 2025-05-07.

Conditions:
Leber congenital amaurosis 13 (LCA13). Identifiers: MedGen C2675186, MONDO:0012990, OMIM 612712.

gnomAD v4.1: 3 of 1,613,818 alleles (0.00019%); highest among the groups gnomAD compares: Non-Finnish European, 0.00025%; no homozygotes.

Submissions (3):

Labcorp Genetics (formerly Invitae), Labcorp
Classification: Pathogenic for Leber congenital amaurosis 13. Last evaluated: 2025-05-07. Review status: criteria provided, single submitter. Criteria: Invitae Variant Classification Sherloc (09022015). Collection method: clinical testing. Allele origin: germline.
Comment: This sequence change replaces alanine, which is neutral and non-polar, with glutamic acid, which is acidic and polar, at codon 126 of the RDH12 protein (p.Ala126Glu). This variant is not present in population databases (gnomAD no frequency). This missense change has been observed in individual(s) with inherited retinal dystrophy (PMID: 28559085). In at least one individual the data is consistent with being in trans (on the opposite chromosome) from a pathogenic variant. It has also been observed to segregate with disease in related individuals. ClinVar contains an entry for this variant (Variation ID: 931585). Invitae Evidence Modeling of protein sequence and biophysical properties (such as structural, functional, and spatial information, amino acid conservation, physicochemical variation, residue mobility, and thermodynamic stability) indicates that this missense variant is expected to disrupt RDH12 protein function with a positive predictive value of 80%. This variant disrupts the p.Ala126 amino acid residue in RDH12. Other variant(s) that disrupt this residue have been determined to be pathogenic (PMID: 19140180, 30134391). This suggests that this residue is clinically significant, and that variants that disrupt this residue are likely to be disease-causing. For these reasons, this variant has been classified as Pathogenic.

Baylor Genetics
Classification: Likely pathogenic for Leber congenital amaurosis 13. Last evaluated: 2022-02-23. Review status: criteria provided, single submitter. Criteria: ACMG Guidelines, 2015. Collection method: clinical testing. Allele origin: unknown.

Centre for Mendelian Genomics, University Medical Centre Ljubljana
Classification: Likely pathogenic for Leber congenital amaurosis 13. Last evaluated: 2019-05-26. Review status: criteria provided, single submitter. Criteria: ACMG Guidelines, 2015. Collection method: clinical testing. Allele origin: unknown. Affected: yes.
Comment: This variant was classified as: Likely pathogenic. The following ACMG criteria were applied in classifying this variant: PS1,PM2,PP2,PP3. This variant was detected in homozygous state.

Literature cited by the submitters: PubMed 28559085 (cited by Labcorp Genetics (formerly Invitae), Labcorp); PubMed 19140180 (cited by Labcorp Genetics (formerly Invitae), Labcorp); PubMed 30134391 (cited by Labcorp Genetics (formerly Invitae), Labcorp).